The following is an entry in ClinVar:

ClinVar aggregate classification (germline): Uncertain significance. Review status: criteria provided, multiple submitters, no conflicts (2 of 4 stars). 4 submissions from 4 submitters: Uncertain significance (4). Last evaluated 2024-02-02.

Conditions:
Isolated focal cortical dysplasia type II (FCORD2). Also called: CORTICAL DYSPLASIA OF TAYLOR; Focal cortical dysplasia type II. Identifiers: Orphanet 268994, MedGen C1846385, MONDO:0011818, OMIM 607341, HP:0032051.
Hereditary cancer-predisposing syndrome. Also called: Neoplastic Syndromes, Hereditary; Tumor predisposition; Hereditary neoplastic syndrome; Hereditary Cancer Syndrome. Identifiers: Orphanet 140162, MedGen C0027672, MeSH D009386, MONDO:0015356.
Tuberous sclerosis syndrome (TSC). Also called: Tuberous Sclerosis Complex; Tuberous sclerosis. Identifiers: Orphanet 805, MedGen C0041341, MONDO:0001734.
Tuberous sclerosis 1 (TSC1). Identifiers: Orphanet 805, MedGen C1854465, MONDO:0008612, OMIM 191100.

Allele frequency attached by ClinVar (database versions not stated): gnomAD exomes below 0.00001.
gnomAD v4.1: 1 of 1,613,788 alleles (0.000062%); highest among the groups gnomAD compares: Non-Finnish European, 0.000085%; no homozygotes.

Submissions (4):

Baylor Genetics
Classification: Uncertain significance for Isolated focal cortical dysplasia type II. Last evaluated: 2024-02-02. Review status: criteria provided, single submitter. Criteria: ACMG Guidelines, 2015. Collection method: clinical testing. Allele origin: unknown.

Labcorp Genetics (formerly Invitae), Labcorp
Classification: Uncertain significance for Tuberous sclerosis 1. Last evaluated: 2023-11-18. Review status: criteria provided, single submitter. Criteria: Invitae Variant Classification Sherloc (09022015). Collection method: clinical testing. Allele origin: germline.
Comment: This sequence change replaces isoleucine, which is neutral and non-polar, with phenylalanine, which is neutral and non-polar, at codon 409 of the TSC1 protein (p.Ile409Phe). This variant is not present in population databases (gnomAD no frequency). This variant has not been reported in the literature in individuals affected with TSC1-related conditions. ClinVar contains an entry for this variant (Variation ID: 1754074). Advanced modeling of protein sequence and biophysical properties (such as structural, functional, and spatial information, amino acid conservation, physicochemical variation, residue mobility, and thermodynamic stability) performed at Invitae indicates that this missense variant is not expected to disrupt TSC1 protein function with a negative predictive value of 95%. In summary, the available evidence is currently insufficient to determine the role of this variant in disease. Therefore, it has been classified as a Variant of Uncertain Significance.

All of Us Research Program, National Institutes of Health
Classification: Uncertain significance for Tuberous sclerosis syndrome. Last evaluated: 2023-08-15. Review status: criteria provided, single submitter. Criteria: ACMG Guidelines, 2015. Collection method: clinical testing. Allele origin: germline. Inheritance: Autosomal dominant inheritance. Observed: 2 variant alleles, 2 heterozygotes.
Comment: This missense variant replaces isoleucine with phenylalanine at codon 409 of the TSC1 protein. Computational prediction suggests that this variant may not impact protein structure and function (internally defined REVEL score threshold <= 0.5, PMID: 27666373). To our knowledge, functional studies have not been reported for this variant. This variant has not been reported in individuals affected with TSC1-related disorders in the literature. This variant has not been identified in the general population by the Genome Aggregation Database (gnomAD). The available evidence is insufficient to determine the role of this variant in disease conclusively. Therefore, this variant is classified as a Variant of Uncertain Significance.

This study involves interpretation of variants in research participants for the purpose of population health screening. Participant phenotype was not available at the time of variant classification. Additional details can be found in publication PMID: 35346344, PMCID: PMC8962531

Ambry Genetics
Classification: Uncertain significance for Hereditary cancer-predisposing syndrome. Last evaluated: 2021-09-10. Review status: criteria provided, single submitter. Criteria: Ambry Variant Classification Scheme 2023. Collection method: clinical testing. Allele origin: germline.
Comment: The p.I409F variant (also known as c.1225A>T), located in coding exon 10 of the TSC1 gene, results from an A to T substitution at nucleotide position 1225. The isoleucine at codon 409 is replaced by phenylalanine, an amino acid with highly similar properties. This amino acid position is not well conserved in available vertebrate species. In addition, this alteration is predicted to be tolerated by in silico analysis. Since supporting evidence is limited at this time, the clinical significance of this alteration remains unclear.

NM_000368.5(TSC1):c.1225A>T (p.Ile409Phe)

Gene: TSC1 (TSC complex subunit 1; minus strand). Cytogenetic location: 9q34.13.
Variant type: single nucleotide variant.
Coding change: c.1225A>T on transcript NM_000368.5 (MANE Select); coding-DNA position 1225, A replaced by T.
Protein change: p.Ile409Phe; replaces isoleucine 409 with phenylalanine.
Molecular consequence: missense variant.
Genome position (GRCh38, 1-based): chr9:132,910,609, T>A on the plus strand (A>T on the coding strand, the complement: TSC1 is on the minus strand). VCF-style: chr9-132910609-T-A. GRCh37 (hg19) VCF-style: chr9-135785996-T-A.
Other names: c.1222A>T, p.Ile408Phe (NM_001162426.2, NM_001406597.1, NM_001406598.1 and 6 more transcripts); c.1072A>T, p.Ile358Phe (NM_001162427.2, NM_001406610.1); c.862A>T, p.Ile288Phe (NM_001362177.2, NM_001406614.1, NM_001406615.1 and 5 more transcripts); c.1225A>T, p.Ile409Phe (NM_001406592.1, NM_001406593.1, NM_001406594.1 and 7 more transcripts); c.1069A>T, p.Ile357Phe (NM_001406613.1, NM_001406611.1, NM_001406612.1); c.859A>T, p.Ile287Phe (NM_001406620.1, NM_001406621.1, NM_001406622.1 and 2 more transcripts); c.274A>T, p.Ile92Phe (NM_001406626.1); c.271A>T, p.Ile91Phe (NM_001406627.1, NM_001406628.1); and 1 more; short protein forms I288F, I92F, I287F, I58F, I357F, I408F, I409F, I358F.
Identifiers: ClinVar variation 1754074 (VCV001754074.7), dbSNP rs2131940667, ClinGen allele CA375366861.